The following is an entry in ClinVar:

ClinVar aggregate classification (germline): Uncertain significance (1 of 4 stars; one submission).

Allele frequency attached by ClinVar (database versions not stated): TOPMed below 0.00001; ExAC 0.00001; gnomAD 0.00001; gnomAD exomes 0.00001.
gnomAD v4.1: 22 of 1,613,952 alleles (0.0014%); highest among the groups gnomAD compares: Non-Finnish European, 0.0019%; no homozygotes.

Submission:

Labcorp Genetics (formerly Invitae), Labcorp
Classification: Uncertain significance. Last evaluated: 2022-02-20. Review status: criteria provided, single submitter. Criteria: Invitae Variant Classification Sherloc (09022015). Collection method: clinical testing. Allele origin: germline.
Comment: In summary, the available evidence is currently insufficient to determine the role of this variant in disease. Therefore, it has been classified as a Variant of Uncertain Significance. This variant has not been reported in the literature in individuals affected with MICAL1-related conditions. This variant is present in population databases (rs780968543, gnomAD 0.003%). This sequence change creates a premature translational stop signal (p.Cys321*) in the MICAL1 gene. It is expected to result in an absent or disrupted protein product. However, the current clinical and genetic evidence is not sufficient to establish whether loss-of-function variants in MICAL1 cause disease.

NM_022765.4(MICAL1):c.906C>A (p.Cys302Ter)

Gene: MICAL1 (microtubule associated monooxygenase, calponin and LIM domain containing 1; minus strand). Cytogenetic location: 6q21.
Variant type: single nucleotide variant.
Coding change: c.906C>A on transcript NM_022765.4 (MANE Select); coding-DNA position 906, C replaced by A.
Protein change: p.Cys302Ter; replaces cysteine 302 with a stop codon.
Molecular consequence: nonsense.
Genome position (GRCh38, 1-based): chr6:109,451,627, G>T on the plus strand (C>A on the coding strand, the complement: MICAL1 is on the minus strand). VCF-style: chr6-109451627-G-T. GRCh37 (hg19) VCF-style: chr6-109772830-G-T.
Other names: c.906C>A, p.Cys302Ter (NM_001159291.2); c.963C>A, p.Cys321Ter (NM_001286613.2); short protein forms C321*, C302*.
Identifiers: ClinVar variation 2065548 (VCV002065548.4), dbSNP rs780968543, ClinGen allele CA3953569.